The following is an entry in ClinVar:

NM_015459.5(ATL3):c.1045G>A (p.Glu349Lys)

Genes: ATL3 (atlastin GTPase 3; minus strand), LNCROPM (lncRNA regulator of PLAAT3 mediated phospholipid metabolism; plus strand). Cytogenetic location: 11q13.1.
Variant type: single nucleotide variant.
Coding change: c.1045G>A on transcript NM_015459.5 (MANE Select); coding-DNA position 1045, G replaced by A.
Protein change: p.Glu349Lys; replaces glutamic acid 349 with lysine.
Molecular consequence: missense variant.
Genome position (GRCh38, 1-based): chr11:63,633,088, C>T on the plus strand (G>A on the coding strand, the complement: ATL3 is on the minus strand). VCF-style: chr11-63633088-C-T. GRCh37 (hg19) VCF-style: chr11-63400560-C-T.
Other names: c.991G>A, p.Glu331Lys (NM_001290048.2); short protein forms E349K, E331K.
Identifiers: ClinVar variation 1775288 (VCV001775288.5), dbSNP rs2495627667, ClinGen allele CA381025836.

ClinVar aggregate classification (germline): Uncertain significance. Review status: criteria provided, multiple submitters, no conflicts (2 of 4 stars). 2 submissions from 2 submitters: Uncertain significance (2). Last evaluated 2023-03-08.

Conditions:
Inborn genetic diseases. Identifiers: MedGen C0950123, MeSH D030342.
Neuropathy, hereditary sensory, type 1F. Also called: HSN IF; Hereditary sensory neuropathy type IF. Identifiers: Orphanet 36386, MedGen C3810194, MONDO:0014286, OMIM 615632.

Allele frequency attached by ClinVar (database versions not stated): gnomAD exomes below 0.00001.
gnomAD v4.1: 3 of 1,614,048 alleles (0.00019%); highest among the groups gnomAD compares: Non-Finnish European, 0.00017%; no homozygotes.

Submissions (2):

Labcorp Genetics (formerly Invitae), Labcorp
Classification: Uncertain significance for Neuropathy, hereditary sensory, type 1F. Last evaluated: 2023-03-08. Review status: criteria provided, single submitter. Criteria: Invitae Variant Classification Sherloc (09022015). Collection method: clinical testing. Allele origin: germline.
Comment: This sequence change replaces glutamic acid, which is acidic and polar, with lysine, which is basic and polar, at codon 349 of the ATL3 protein (p.Glu349Lys). This variant is not present in population databases (gnomAD no frequency). This variant has not been reported in the literature in individuals affected with ATL3-related conditions. ClinVar contains an entry for this variant (Variation ID: 1775288). Advanced modeling of protein sequence and biophysical properties (such as structural, functional, and spatial information, amino acid conservation, physicochemical variation, residue mobility, and thermodynamic stability) performed at Invitae indicates that this missense variant is not expected to disrupt ATL3 protein function. In summary, the available evidence is currently insufficient to determine the role of this variant in disease. Therefore, it has been classified as a Variant of Uncertain Significance.

Ambry Genetics
Classification: Uncertain significance for Inborn genetic diseases. Last evaluated: 2019-12-18. Review status: criteria provided, single submitter. Criteria: Ambry Variant Classification Scheme 2023. Collection method: clinical testing. Allele origin: germline.
Comment: The p.E349K variant (also known as c.1045G>A), located in coding exon 11 of the ATL3 gene, results from a G to A substitution at nucleotide position 1045. The glutamic acid at codon 349 is replaced by lysine, an amino acid with similar properties. This amino acid position is highly conserved in available vertebrate species. In addition, this alteration is predicted to be deleterious by in silico analysis. Since supporting evidence is limited at this time, the clinical significance of this alteration remains unclear.